The following is an entry in ClinVar:

ClinVar aggregate classification (germline): Likely pathogenic (1 of 4 stars; one submission).

Conditions:
Bent bone dysplasia syndrome 2 (BBDS2). Identifiers: MedGen C5774233, MONDO:0859573, OMIM 620076.
Nephrotic syndrome, IIa 26. Also called: Nephrotic syndrome, type 26. Identifiers: MedGen C5774221, MONDO:0031061, OMIM 620049.

Submission:

Juno Genomics, Hangzhou Juno Genomics, Inc
Classification: Likely pathogenic for Bent bone dysplasia syndrome 2; Nephrotic syndrome, IIa 26. Review status: criteria provided, single submitter. Criteria: ACMG Guidelines, 2015. Collection method: clinical testing. Allele origin: germline.
Comment: Null variant in a gene where loss of function (LOF) is a known mechanism of disease.;Absent from controls (or at extremely low frequency if recessive) in Genome Aggregation Database.

NM_005560.6(LAMA5):c.6065-1G>A

Gene: LAMA5 (laminin subunit alpha 5; minus strand). Cytogenetic location: 20q13.33.
Variant type: single nucleotide variant.
Coding change: c.6065-1G>A on transcript NM_005560.6 (MANE Select); the canonical splice acceptor site of the intron before coding-DNA position 6065, G replaced by A.
Molecular consequence: splice acceptor variant.
Genome position (GRCh38, 1-based): chr20:62,322,759, C>T on the plus strand (G>A on the coding strand, the complement: LAMA5 is on the minus strand). VCF-style: chr20-62322759-C-T. GRCh37 (hg19) VCF-style: chr20-60897815-C-T.
Identifiers: ClinVar variation 5006401 (VCV005006401.2).
Genomic context (GRCh38, chr20:62,322,759, plus strand): 5'-ACAGGCAGTGCCCGCTGTGGGGGTCGCAGGCCTCTGTCCCACATGGGGTACAGTCGCACC[C>T]TGCAGAAGGGGTCCGTGACTGCAGCCCTGGGCCCTCTCACCCCCCCAGGGAGCCCCTAGG-3'